The following is an entry in ClinVar:

ClinVar aggregate classification (germline): Pathogenic/Likely pathogenic. Review status: criteria provided, multiple submitters, no conflicts (2 of 4 stars). 2 submissions from 2 submitters: Pathogenic (1); Likely pathogenic (1). Last evaluated 2025-04-24.

Conditions:
CDH23-related disorder. Also called: CDH23-related condition; CDH23-related disorders.

Submissions (2):

PreventionGenetics, part of Exact Sciences
Classification: Likely pathogenic for CDH23-related condition. Last evaluated: 2025-04-24. Review status: criteria provided, single submitter. Criteria: ACMG Guidelines, 2015. Collection method: clinical testing. Allele origin: germline.
Comment: The CDH23 c.2664delC variant is predicted to result in a frameshift and premature protein termination (p.Thr889Profs*33). To our knowledge, this variant has not been previously reported in the literature in association with disease. This variant is reported in 0.0065% of alleles in individuals of African descent in gnomAD. Frameshift variants in CDH23 are expected to be pathogenic. This variant is interpreted as likely pathogenic.

Labcorp Genetics (formerly Invitae), Labcorp
Classification: Pathogenic. Last evaluated: 2024-10-21. Review status: criteria provided, single submitter. Criteria: Invitae Variant Classification Sherloc (09022015). Collection method: clinical testing. Allele origin: germline.
Comment: This sequence change creates a premature translational stop signal (p.Thr889Profs*33) in the CDH23 gene. It is expected to result in an absent or disrupted protein product. Loss-of-function variants in CDH23 are known to be pathogenic (PMID: 11138009, 21940737). This variant is present in population databases (rs763820312, gnomAD 0.007%). This variant has not been reported in the literature in individuals affected with CDH23-related conditions. ClinVar contains an entry for this variant (Variation ID: 863145). For these reasons, this variant has been classified as Pathogenic.

Literature cited by the submitters: PubMed 11138009 (cited by Labcorp Genetics (formerly Invitae), Labcorp); PubMed 21940737 (cited by Labcorp Genetics (formerly Invitae), Labcorp).

NM_022124.6(CDH23):c.2664del (p.Thr889fs)

Gene: CDH23 (cadherin related 23; plus strand). Cytogenetic location: 10q22.1.
Variant type: Deletion.
Coding change: c.2664del on transcript NM_022124.6 (MANE Select); coding-DNA position 2664, one base deleted (C; older notation c.2664delC).
Protein change: p.Thr889fs; shifts the reading frame from threonine 889.
Molecular consequence: frameshift variant.
Genome position (GRCh38, 1-based): chr10:71,702,625, C deleted; the last of 4 consecutive C bases (chr10:71,702,622-71,702,625); deleting any one gives the same sequence. VCF-style (leftmost placement, unchanged base first): chr10-71702621-AC-A. GRCh37 (hg19) VCF-style: chr10-73462378-AC-A.
Other names: c.2664delC (NM_022124.5); c.2664del, p.Thr889fs (NM_001171930.2, NM_001171931.2); short protein forms T889fs.
Identifiers: ClinVar variation 863145 (VCV000863145.8), dbSNP rs763820312, ClinGen allele CA5544291.